The following is an entry in ClinVar:

ClinVar aggregate classification (germline): Uncertain significance (1 of 4 stars; one submission).

Conditions:
Long QT syndrome (LQTS). Identifiers: MedGen C0023976, MeSH D008133, MONDO:0002442. Disease mechanism: loss of function. Inheritance: Various modes of inheritance.

Submission:

Labcorp Genetics (formerly Invitae), Labcorp
Classification: Uncertain significance for Long QT syndrome. Last evaluated: 2023-11-15. Review status: criteria provided, single submitter. Criteria: Invitae Variant Classification Sherloc (09022015). Collection method: clinical testing. Allele origin: unknown.
Comment: A copy number gain of the genomic region encompassing the full coding sequence of the KCNQ1 gene has been identified. The boundaries of this event are unknown as they extend beyond the assayed region for this gene and therefore may encompass additional genes. As the precise location of this event is unknown, it may be in tandem or it may be located elsewhere in the genome. This variant has not been reported in the literature in individuals affected with KCNQ1-related conditions. Experimental studies and prediction algorithms are not available or were not evaluated, and the functional significance of this variant is currently unknown. In summary, the available evidence is currently insufficient to determine the role of this variant in disease. Therefore, it has been classified as a Variant of Uncertain Significance.

NC_000011.9:g.(?_2466329)_(2869233_?)dup

Genes: KCNQ1 (potassium voltage-gated channel subfamily Q member 1; plus strand), KCNQ1OT1 (KCNQ1 opposite strand/antisense transcript 1; minus strand). Cytogenetic location: 11p15.5-15.4.
Variant type: Duplication.
Identifiers: ClinVar variation 3244543 (VCV003244543.1).